The following is an entry in ClinVar:

NM_000169.3(GLA):c.595dup (p.Val199fs)

Genes: GLA (galactosidase alpha; minus strand), RPL36A-HNRNPH2 (RPL36A-HNRNPH2 readthrough; plus strand). Cytogenetic location: Xq22.1.
Variant type: Duplication.
Coding change: c.595dup on transcript NM_000169.3 (MANE Select); coding-DNA position 595, one base duplicated (G; older notation c.595dupG).
Protein change: p.Val199fs; shifts the reading frame from valine 199.
Molecular consequence: frameshift variant. On other transcripts: non-coding transcript variant (2), intron variant (2).
Genome position (GRCh38, 1-based): chrX:101,400,710, C duplicated on the plus strand (G on the coding strand, the reverse complement: GLA is on the minus strand). VCF-style (leftmost placement, unchanged base first): chrX-101400709-A-AC. GRCh37 (hg19) VCF-style: chrX-100655697-A-AC.
Other names: c.718dup, p.Val240fs (NM_001406747.1); c.595dup, p.Val199fs (NM_001406748.1); c.300+5253dup (NM_001199973.2); c.177+8888dup (NM_001199974.2); short protein forms V199fs, V240fs.
Identifiers: ClinVar variation 4086980 (VCV004086980.2).

ClinVar aggregate classification (germline): Pathogenic (1 of 4 stars; one submission).

Conditions:
Fabry disease. Also called: ALPHA-GALACTOSIDASE A DEFICIENCY; ANDERSON-FABRY DISEASE; CERAMIDE TRIHEXOSIDASE DEFICIENCY; GLA DEFICIENCY; HEREDITARY DYSTOPIC LIPIDOSIS; Angiokeratoma corporis diffusum. Identifiers: Orphanet 324, MedGen C0002986, MONDO:0010526, OMIM 301500, HP:0001071. Disease mechanism: Fabry disease is due to inactivating mutations in the X-linked GLA gene resulting in deficiency of the enzyme Alpha Galactosidase-A., loss of function.

Submission:

Genomenon, Inc
Classification: Pathogenic for Fabry disease. Last evaluated: 2026-09-08. Review status: criteria provided, single submitter. Criteria: Genomenon Sequence Variant Interpretation Standards - Updated. Collection method: curation. Allele origin: germline. Affected: yes.
Comment: GLA p.Val199GlyfsTer5 (c.595dup) is a frameshift variant that is predicted to introduce a premature termination codon and result in a truncated or absent protein product. This variant has been observed in at least one proband with clinical features consistent with Fabry disease (PMID:20122163). Functional or patient cell studies have been reported (PMID:20122163). It is absent or not present at a significant frequency in gnomAD. In conclusion, we classify GLA p.Val199GlyfsTer5 (c.595dup) as a pathogenic variant.

Literature cited by the submitters: PubMed 20122163.